The following is an entry in ClinVar:

ClinVar aggregate classification (germline): Uncertain significance. Review status: criteria provided, multiple submitters, no conflicts (2 of 4 stars). 3 submissions from 3 submitters: Uncertain significance (3). Last evaluated 2025-10-26.

Conditions:
Acrodysostosis 1 with or without hormone resistance (ACRDYS1). Also called: ACRODYSOSTOSIS WITH HORMONE RESISTANCE; ACRODYSOSTOSIS 1 WITH HORMONE RESISTANCE; ACRODYSOSTOSIS 1 WITHOUT HORMONE RESISTANCE. Identifiers: Orphanet 280651, MedGen C3276228, MONDO:0007044, OMIM 101800.
Carney complex, type 1 (CNC1). Also called: CARNEY MYXOMA-ENDOCRINE COMPLEX; CARNEY COMPLEX, TYPE I. Identifiers: Orphanet 1359, MedGen C2607929, MONDO:0008057, OMIM 160980.
Hereditary cancer-predisposing syndrome. Also called: Hereditary neoplastic syndrome; Neoplastic Syndromes, Hereditary; Tumor predisposition; Hereditary Cancer Syndrome. Identifiers: Orphanet 140162, MedGen C0027672, MeSH D009386, MONDO:0015356.

Allele frequency attached by ClinVar (database versions not stated): ExAC 0.00001; gnomAD 0.00001; gnomAD exomes 0.00001; TOPMed 0.00002.
gnomAD v4.1: 8 of 1,613,416 alleles (0.0005%); highest among the groups gnomAD compares: East Asian, 0.0045%; no homozygotes.

Submissions (3):

Labcorp Genetics (formerly Invitae), Labcorp
Classification: Uncertain significance for Carney complex, type 1. Last evaluated: 2025-10-26. Review status: criteria provided, single submitter. Criteria: Invitae Variant Classification Sherloc (09022015). Collection method: clinical testing. Allele origin: germline.
Comment: This sequence change replaces lysine, which is basic and polar, with glutamic acid, which is acidic and polar, at codon 32 of the PRKAR1A protein (p.Lys32Glu). This variant is present in population databases (rs756985434, gnomAD 0.003%). This variant has not been reported in the literature in individuals affected with PRKAR1A-related conditions. ClinVar contains an entry for this variant (Variation ID: 469080). Invitae Evidence Modeling of protein sequence and biophysical properties (such as structural, functional, and spatial information, amino acid conservation, physicochemical variation, residue mobility, and thermodynamic stability) indicates that this missense variant is not expected to disrupt PRKAR1A protein function with a negative predictive value of 95%. In summary, the available evidence is currently insufficient to determine the role of this variant in disease. Therefore, it has been classified as a Variant of Uncertain Significance.

Baylor Genetics
Classification: Uncertain significance for Acrodysostosis 1 with or without hormone resistance. Last evaluated: 2023-11-30. Review status: criteria provided, single submitter. Criteria: ACMG Guidelines, 2015. Collection method: clinical testing. Allele origin: unknown.

Ambry Genetics
Classification: Uncertain significance for Hereditary cancer-predisposing syndrome. Last evaluated: 2023-10-24. Review status: criteria provided, single submitter. Criteria: Ambry Variant Classification Scheme 2023. Collection method: clinical testing. Allele origin: germline.
Comment: The p.K32E variant (also known as c.94A>G), located in coding exon 1 of the PRKAR1A gene, results from an A to G substitution at nucleotide position 94. The lysine at codon 32 is replaced by glutamic acid, an amino acid with similar properties. This amino acid position is highly conserved in available vertebrate species. In addition, this alteration is predicted to be deleterious by in silico analysis. Since supporting evidence is limited at this time, the clinical significance of this alteration remains unclear.

NM_002734.5(PRKAR1A):c.94A>G (p.Lys32Glu)

Gene: PRKAR1A (protein kinase cAMP-dependent type I regulatory subunit alpha; plus strand). Cytogenetic location: 17q24.2.
Variant type: single nucleotide variant.
Coding change: c.94A>G on transcript NM_002734.5 (MANE Select); coding-DNA position 94, A replaced by G.
Protein change: p.Lys32Glu; replaces lysine 32 with glutamic acid.
Molecular consequence: missense variant.
Genome position (GRCh38, 1-based): chr17:68,515,493, A>G. VCF-style: chr17-68515493-A-G. GRCh37 (hg19) VCF-style: chr17-66511634-A-G.
Other names: c.94A>G, p.Lys32Glu (NM_001276289.2, NM_001276290.1, NM_001278433.2 and 4 more transcripts); short protein forms K32E.
Identifiers: ClinVar variation 469080 (VCV000469080.13), dbSNP rs756985434, ClinGen allele CA8729157.